The following is an entry in ClinVar:

ClinVar aggregate classification (germline): Likely benign (1 of 4 stars; one submission).

Submission:

CeGaT Center for Human Genetics Tuebingen
Classification: Likely benign. Last evaluated: 2026-04-01. Review status: criteria provided, single submitter. Criteria: CeGaT Center For Human Genetics Tuebingen Variant Classification Criteria Version 2. Collection method: clinical testing. Allele origin: germline. Affected: yes. Observed: 1 variant allele.
Comment: WDR45B: PM2:Supporting, BP4, BP7

NM_019613.4(WDR45B):c.690A>C (p.Ala230=)

Gene: WDR45B (WD repeat domain 45B; minus strand). Cytogenetic location: 17q25.3.
Variant type: single nucleotide variant.
Coding change: c.690A>C on transcript NM_019613.4 (MANE Select); coding-DNA position 690, A replaced by C.
Protein change: p.Ala230=; no amino-acid change (alanine 230 retained).
Molecular consequence: synonymous variant.
Genome position (GRCh38, 1-based): chr17:82,619,057, T>G on the plus strand (A>C on the coding strand, the complement: WDR45B is on the minus strand). VCF-style: chr17-82619057-T-G. GRCh37 (hg19) VCF-style: chr17-80576933-T-G.
Identifiers: ClinVar variation 4874759 (VCV004874759.2).
Genomic context (GRCh38, chr17:82,619,057, plus strand): 5'-CTGTCAGCCCGAAGTTCTTCTCCGGTGAAGTTGGAGGTGCCCTTACCAGTAAATATTGGC[T>G]GCTTGAGATCCTCTTCGCAGTTCCTGGATTAAATGCCCTGATGAAGTATCAAATATTCTT-3'
Protein context (NP_062559.2, residues 220-240): LIQELRRGSQ[Ala230=]ANIYCINFNQ